The following is an entry in ClinVar:

NM_000537.4(REN):c.262G>A (p.Gly88Ser)

Gene: REN (renin; minus strand). Cytogenetic location: 1q32.1.
Variant type: single nucleotide variant.
Coding change: c.262G>A on transcript NM_000537.4 (MANE Select); coding-DNA position 262, G replaced by A.
Protein change: p.Gly88Ser; replaces glycine 88 with serine.
Molecular consequence: missense variant.
Genome position (GRCh38, 1-based): chr1:204,161,403, C>T on the plus strand (G>A on the coding strand, the complement: REN is on the minus strand). VCF-style: chr1-204161403-C-T. GRCh37 (hg19) VCF-style: chr1-204130531-C-T.
Other names: short protein forms G88S.
Identifiers: ClinVar variation 1981849 (VCV001981849.4), dbSNP rs2527492536, ClinGen allele CA344341405.

ClinVar aggregate classification (germline): Uncertain significance (1 of 4 stars; one submission).

Submission:

Labcorp Genetics (formerly Invitae), Labcorp
Classification: Uncertain significance. Last evaluated: 2022-05-05. Review status: criteria provided, single submitter. Criteria: Invitae Variant Classification Sherloc (09022015). Collection method: clinical testing. Allele origin: germline.
Comment: In summary, the available evidence is currently insufficient to determine the role of this variant in disease. Therefore, it has been classified as a Variant of Uncertain Significance. Algorithms developed to predict the effect of missense changes on protein structure and function are either unavailable or do not agree on the potential impact of this missense change (SIFT: "Deleterious"; PolyPhen-2: "Probably Damaging"; Align-GVGD: "Class C0"). This variant has not been reported in the literature in individuals affected with REN-related conditions. This variant is not present in population databases (gnomAD no frequency). This sequence change replaces glycine, which is neutral and non-polar, with serine, which is neutral and polar, at codon 88 of the REN protein (p.Gly88Ser).